The following is an entry in ClinVar:

NM_022489.4(INF2):c.1984G>T (p.Gly662Ter)

Gene: INF2 (inverted formin 2; plus strand). Cytogenetic location: 14q32.33.
Variant type: single nucleotide variant.
Coding change: c.1984G>T on transcript NM_022489.4 (MANE Select); coding-DNA position 1984, G replaced by T.
Protein change: p.Gly662Ter; replaces glycine 662 with a stop codon.
Molecular consequence: nonsense. On other transcripts: non-coding transcript variant (1).
Genome position (GRCh38, 1-based): chr14:104,709,315, G>T. VCF-style: chr14-104709315-G-T. GRCh37 (hg19) VCF-style: chr14-105175652-G-T.
Other names: c.1984G>T, p.Gly662Ter (NM_001031714.4, NM_001426862.1, NM_001426863.1 and 2 more transcripts); short protein forms G662*.
Identifiers: ClinVar variation 4791171 (VCV004791171.1).

ClinVar aggregate classification (germline): Uncertain significance (1 of 4 stars; one submission).

Conditions:
Focal segmental glomerulosclerosis 5 (FSGS5). Identifiers: Orphanet 656, MedGen C2750475, MONDO:0013191, OMIM 613237.
Charcot-Marie-Tooth disease dominant intermediate E. Also called: CHARCOT-MARIE-TOOTH NEUROPATHY WITH FOCAL SEGMENTAL GLOMERULONEPHRITIS. Identifiers: Orphanet 93114, MedGen C4302667, MONDO:0013758, OMIM 614455.

gnomAD v4.1: 1 of 1,613,140 alleles (0.000062%); highest among the groups gnomAD compares: Admixed American, 0.0017%; no homozygotes.

Submission:

Labcorp Genetics (formerly Invitae), Labcorp
Classification: Uncertain significance for Charcot-Marie-Tooth disease dominant intermediate E; Focal segmental glomerulosclerosis 5. Last evaluated: 2025-07-17. Review status: criteria provided, single submitter. Criteria: Invitae Variant Classification Sherloc (09022015). Collection method: clinical testing. Allele origin: germline.
Comment: This sequence change creates a premature translational stop signal (p.Gly662*) in the INF2 gene. It is expected to result in an absent or disrupted protein product. However, the current clinical and genetic evidence is not sufficient to establish whether loss-of-function variants in INF2 cause disease. This variant is present in population databases (no rsID available, gnomAD 0.003%). This variant has not been reported in the literature in individuals affected with INF2-related conditions. In summary, the available evidence is currently insufficient to determine the role of this variant in disease. Therefore, it has been classified as a Variant of Uncertain Significance.